The following is an entry in ClinVar:

ClinVar aggregate classification (germline): Uncertain significance (1 of 4 stars; one submission).

Conditions:
Mitochondrial complex II deficiency, nuclear type 1. Also called: SUCCINATE CoQ REDUCTASE DEFICIENCY. Identifiers: Orphanet 3208, MedGen C5700310, MONDO:0100294, OMIM 252011.
Pheochromocytoma/paraganglioma syndrome 5. Also called: Paragangliomas 5; SDHA-Related Hereditary Paraganglioma-Pheochromocytoma Syndrome. Identifiers: Orphanet 29072, MedGen C3279992, MONDO:0013602, OMIM 614165.

Submission:

Labcorp Genetics (formerly Invitae), Labcorp
Classification: Uncertain significance for Pheochromocytoma/paraganglioma syndrome 5; Mitochondrial complex II deficiency, nuclear type 1. Last evaluated: 2020-12-11. Review status: criteria provided, single submitter. Criteria: Invitae Variant Classification Sherloc (09022015). Collection method: clinical testing. Allele origin: germline.
Comment: In summary, the available evidence is currently insufficient to determine the role of this variant in disease. Therefore, it has been classified as a Variant of Uncertain Significance. Algorithms developed to predict the effect of sequence changes on RNA splicing suggest that this variant may create or strengthen a splice site, but this prediction has not been confirmed by published transcriptional studies. Advanced modeling of protein sequence and biophysical properties (such as structural, functional, and spatial information, amino acid conservation, physicochemical variation, residue mobility, and thermodynamic stability) performed at Invitae indicates that this missense variant is not expected to disrupt SDHA protein function. This variant has not been reported in the literature in individuals with SDHA-related conditions. This variant is not present in population databases (ExAC no frequency). This sequence change replaces leucine with valine at codon 371 of the SDHA protein (p.Leu371Val). The leucine residue is highly conserved and there is a small physicochemical difference between leucine and valine.

NM_004168.4(SDHA):c.1111C>G (p.Leu371Val)

Gene: SDHA (succinate dehydrogenase complex flavoprotein subunit A; plus strand). Cytogenetic location: 5p15.33.
Variant type: single nucleotide variant.
Coding change: c.1111C>G on transcript NM_004168.4 (MANE Select); coding-DNA position 1111, C replaced by G.
Protein change: p.Leu371Val; replaces leucine 371 with valine.
Molecular consequence: missense variant.
Genome position (GRCh38, 1-based): chr5:235,190, C>G. VCF-style: chr5-235190-C-G. GRCh37 (hg19) VCF-style: chr5-235305-C-G.
Other names: c.967C>G, p.Leu323Val (NM_001294332.2); c.1111C>G, p.Leu371Val (NM_001330758.2); short protein forms L371V, L323V.
Identifiers: ClinVar variation 1464563 (VCV001464563.8), dbSNP rs1735690368, ClinGen allele CA359013480.